The following is an entry in ClinVar:

NM_001368397.1(FRMPD4):c.2044C>A (p.Leu682Met)

Gene: FRMPD4 (FERM and PDZ domain containing 4; plus strand). Cytogenetic location: Xp22.2.
Variant type: single nucleotide variant.
Coding change: c.2044C>A on transcript NM_001368397.1 (MANE Select); coding-DNA position 2044, C replaced by A.
Protein change: p.Leu682Met; replaces leucine 682 with methionine.
Molecular consequence: missense variant.
Genome position (GRCh38, 1-based): chrX:12,716,503, C>A. VCF-style: chrX-12716503-C-A. GRCh37 (hg19) VCF-style: chrX-12734622-C-A.
Other names: c.2155C>A, p.Leu719Met (NM_001368395.3, NM_001368398.3); c.2050C>A, p.Leu684Met (NM_001368396.3); c.2035C>A, p.Leu679Met (NM_001368399.3); c.1924C>A, p.Leu642Met (NM_001368400.3); c.2020C>A, p.Leu674Met (NM_001368401.1, NM_001368402.3); c.2044C>A, p.Leu682Met (NM_014728.3); short protein forms L642M, L674M, L679M, L682M, L684M, L719M.
Identifiers: ClinVar variation 3372107 (VCV003372107.1).

ClinVar aggregate classification (germline): Uncertain significance (1 of 4 stars; one submission).

Submission:

GeneDx
Classification: Uncertain significance. Last evaluated: 2024-04-04. Review status: criteria provided, single submitter. Criteria: GeneDx Variant Classification Process June 2021. Collection method: clinical testing. Allele origin: germline. Affected: yes.
Comment: Not observed at significant frequency in large population cohorts (gnomAD); In silico analysis indicates that this missense variant does not alter protein structure/function; Has not been previously published as pathogenic or benign to our knowledge